The following is an entry in ClinVar:

ClinVar aggregate classification (germline): Likely benign. Review status: criteria provided, multiple submitters, no conflicts (2 of 4 stars). 3 submissions from 3 submitters: Likely benign (3). Last evaluated 2026-01-20.

Allele frequency attached by ClinVar (database versions not stated): 1000 Genomes Project 0.00040; 1000 Genomes Project 30x 0.00047; gnomAD 0.00074 and 0.00076; ExAC 0.00078; gnomAD exomes 0.00082 and 0.00115; TOPMed 0.00103; ESP Exome Variant Server 0.00109.
gnomAD v4.1: 1,782 of 1,613,438 alleles (0.11%); highest among the groups gnomAD compares: Non-Finnish European, 0.13%; 2 homozygotes.

Submissions (3):

Labcorp Genetics (formerly Invitae), Labcorp
Classification: Likely benign. Last evaluated: 2026-01-20. Review status: criteria provided, single submitter. Criteria: Invitae Variant Classification Sherloc (09022015). Collection method: clinical testing. Allele origin: germline.

Blueprint Genetics
Classification: Likely benign. Last evaluated: 2024-11-25. Review status: criteria provided, single submitter. Criteria: ACMG Guidelines, 2015. Collection method: clinical testing. Allele origin: germline.

CeGaT Center for Human Genetics Tuebingen
Classification: Likely benign. Last evaluated: 2022-07-01. Review status: criteria provided, single submitter. Criteria: CeGaT Center For Human Genetics Tuebingen Variant Classification Criteria Version 2. Collection method: clinical testing. Allele origin: germline. Affected: yes. Observed: 2 variant alleles.
Comment: PCLO: BP4, BP7

NM_033026.6(PCLO):c.12357C>T (p.Tyr4119=)

Gene: PCLO (piccolo presynaptic cytomatrix protein; minus strand). Cytogenetic location: 7q21.11.
Variant type: single nucleotide variant.
Coding change: c.12357C>T on transcript NM_033026.6 (MANE Select); coding-DNA position 12357, C replaced by T.
Protein change: p.Tyr4119=; no amino-acid change (tyrosine 4119 retained).
Molecular consequence: synonymous variant.
Genome position (GRCh38, 1-based): chr7:82,915,629, G>A on the plus strand (C>T on the coding strand, the complement: PCLO is on the minus strand). VCF-style: chr7-82915629-G-A. GRCh37 (hg19) VCF-style: chr7-82544945-G-A.
Other names: c.12357C>T, p.Tyr4119= (NM_014510.3).
Identifiers: ClinVar variation 788816 (VCV000788816.35), dbSNP rs201835825, ClinGen allele CA4319385.